The following is an entry in ClinVar:

NM_138393.4(REEP6):c.391G>A (p.Gly131Arg)

Gene: REEP6 (receptor accessory protein 6; plus strand). Cytogenetic location: 19p13.3.
Variant type: single nucleotide variant.
Coding change: c.391G>A on transcript NM_138393.4 (MANE Select); coding-DNA position 391, G replaced by A.
Protein change: p.Gly131Arg; replaces glycine 131 with arginine.
Molecular consequence: missense variant.
Genome position (GRCh38, 1-based): chr19:1,496,327, G>A. VCF-style: chr19-1496327-G-A. GRCh37 (hg19) VCF-style: chr19-1496326-G-A.
Other names: c.391G>A, p.Gly131Arg (NM_001329556.3); c.391G>A (NM_001329556.2, NM_138393.1); short protein forms G131R.
Identifiers: ClinVar variation 866532 (VCV000866532.7), dbSNP rs978250545, ClinGen allele CA304100493.

ClinVar aggregate classification (germline): Uncertain significance. Review status: criteria provided, multiple submitters, no conflicts (2 of 4 stars). 4 submissions from 4 submitters: Uncertain significance (4). Last evaluated 2025-11-13.

Conditions:
Inborn genetic diseases. Identifiers: MedGen C0950123, MeSH D030342.

Allele frequency attached by ClinVar (database versions not stated): TOPMed 0.00002; gnomAD 0.00003.

Submissions (4):

Ambry Genetics
Classification: Uncertain significance for Inborn genetic diseases. Last evaluated: 2025-11-13. Review status: criteria provided, single submitter. Criteria: Ambry Variant Classification Scheme 2023. Collection method: clinical testing. Allele origin: germline.

GeneDx
Classification: Uncertain significance. Last evaluated: 2024-05-26. Review status: criteria provided, single submitter. Criteria: GeneDx Variant Classification Process June 2021. Collection method: clinical testing. Allele origin: germline. Affected: yes.
Comment: In silico analysis supports that this missense variant has a deleterious effect on protein structure/function; Has not been previously published as pathogenic or benign to our knowledge

Labcorp Genetics (formerly Invitae), Labcorp
Classification: Uncertain significance. Last evaluated: 2022-10-13. Review status: criteria provided, single submitter. Criteria: Invitae Variant Classification Sherloc (09022015). Collection method: clinical testing. Allele origin: germline.
Comment: This sequence change replaces glycine, which is neutral and non-polar, with arginine, which is basic and polar, at codon 131 of the REEP6 protein (p.Gly131Arg). The frequency data for this variant in the population databases is considered unreliable, as metrics indicate poor data quality at this position in the gnomAD database. This variant has not been reported in the literature in individuals affected with REEP6-related conditions. ClinVar contains an entry for this variant (Variation ID: 866532). Experimental studies and prediction algorithms are not available or were not evaluated, and the functional significance of this variant is currently unknown. In summary, the available evidence is currently insufficient to determine the role of this variant in disease. Therefore, it has been classified as a Variant of Uncertain Significance.

Blueprint Genetics
Classification: Uncertain significance. Last evaluated: 2021-10-18. Review status: criteria provided, single submitter. Criteria: ACMG Guidelines, 2015. Collection method: clinical testing. Allele origin: germline.